The following is an entry in ClinVar:

NM_176869.3(PPA2):c.82T>C (p.Ser28Pro)

Gene: PPA2 (inorganic pyrophosphatase 2; minus strand). Cytogenetic location: 4q24.
Variant type: single nucleotide variant.
Coding change: c.82T>C on transcript NM_176869.3 (MANE Select); coding-DNA position 82, T replaced by C.
Protein change: p.Ser28Pro; replaces serine 28 with proline.
Molecular consequence: missense variant.
Genome position (GRCh38, 1-based): chr4:105,473,969, A>G on the plus strand (T>C on the coding strand, the complement: PPA2 is on the minus strand). VCF-style: chr4-105473969-A-G. GRCh37 (hg19) VCF-style: chr4-106395126-A-G.
Other names: c.82T>C, p.Ser28Pro (NM_006903.4, NM_176866.2, NM_176867.3); short protein forms S28P.
Identifiers: ClinVar variation 1395607 (VCV001395607.8), dbSNP rs2110340029, ClinGen allele CA357968014.

ClinVar aggregate classification (germline): Uncertain significance (1 of 4 stars; one submission).

Submission:

Labcorp Genetics (formerly Invitae), Labcorp
Classification: Uncertain significance. Last evaluated: 2021-05-17. Review status: criteria provided, single submitter. Criteria: Invitae Variant Classification Sherloc (09022015). Collection method: clinical testing. Allele origin: germline.
Comment: In summary, the available evidence is currently insufficient to determine the role of this variant in disease. Therefore, it has been classified as a Variant of Uncertain Significance. Algorithms developed to predict the effect of missense changes on protein structure and function output the following: SIFT: "Tolerated"; PolyPhen-2: "Benign"; Align-GVGD: "Class C0". The proline amino acid residue is found in multiple mammalian species, suggesting that this missense change does not adversely affect protein function. These predictions have not been confirmed by published functional studies and their clinical significance is uncertain. This variant has not been reported in the literature in individuals with PPA2-related conditions. This variant is not present in population databases (ExAC no frequency). This sequence change replaces serine with proline at codon 28 of the PPA2 protein (p.Ser28Pro). The serine residue is weakly conserved and there is a moderate physicochemical difference between serine and proline.